The following is an entry in ClinVar:

ClinVar aggregate classification (germline): Uncertain significance (1 of 4 stars; one submission).

Submission:

GeneDx
Classification: Uncertain significance. Last evaluated: 2025-07-23. Review status: criteria provided, single submitter. Criteria: GeneDx Variant Classification Process June 2021. Collection method: clinical testing. Allele origin: germline. Affected: yes.
Comment: Not observed at significant frequency in large population cohorts (gnomAD); In silico analysis suggests that this missense variant does not alter protein structure/function; Has not been previously published as pathogenic or benign to our knowledge

NM_000719.7(CACNA1C):c.3634G>T (p.Val1212Leu)

Gene: CACNA1C (calcium voltage-gated channel subunit alpha1 C; plus strand). Cytogenetic location: 12p13.33.
Variant type: single nucleotide variant.
Coding change: c.3634G>T on transcript NM_000719.7 (MANE Select); coding-DNA position 3634, G replaced by T.
Protein change: p.Val1212Leu; replaces valine 1212 with leucine.
Molecular consequence: missense variant.
Genome position (GRCh38, 1-based): chr12:2,610,616, G>T. VCF-style: chr12-2610616-G-T. GRCh37 (hg19) VCF-style: chr12-2719782-G-T.
Other names: c.3694G>T, p.Val1232Leu (NM_001129827.2, NM_001129832.2, NM_199460.4); c.3634G>T, p.Val1212Leu (NM_001129829.2, NM_001129830.3, NM_001129831.2 and 15 more transcripts); c.3625G>T, p.Val1209Leu (NM_001129844.2); short protein forms V1209L, V1212L, V1232L.
Identifiers: ClinVar variation 4686889 (VCV004686889.1).
Genomic context (GRCh38, chr12:2,610,616, plus strand): 5'-TACGCCCTCAAGGCCCGGCCCCTGCGGAGGTACATCCCCAAGAACCAGCACCAGTACAAA[G>T]TGTGGTACGTGGTCAACTCCACCTACTTCGAGTACCTGATGTTCGTCCTCATCCTGCTCA-3'
Protein context (NP_000710.5, residues 1202-1222): YIPKNQHQYK[Val1212Leu]WYVVNSTYFE